The following is an entry in ClinVar:

NM_000116.5(TAFAZZIN):c.328T>C (p.Ser110Pro)

Gene: TAFAZZIN (tafazzin, phospholipid-lysophospholipid transacylase; plus strand). Cytogenetic location: Xq28.
Variant type: single nucleotide variant.
Coding change: c.328T>C on transcript NM_000116.5 (MANE Select); coding-DNA position 328, T replaced by C.
Protein change: p.Ser110Pro; replaces serine 110 with proline.
Molecular consequence: missense variant. On other transcripts: non-coding transcript variant (1).
Genome position (GRCh38, 1-based): chrX:154,413,525, T>C. VCF-style: chrX-154413525-T-C. GRCh37 (hg19) VCF-style: chrX-153641862-T-C.
Other names: c.382T>C, p.Ser128Pro (NM_001303465.2); c.328T>C, p.Ser110Pro (NM_181311.4, NM_181312.4, NM_181313.4); short protein forms S110P, S128P.
Identifiers: ClinVar variation 42255 (VCV000042255.7), dbSNP rs397515739, ClinGen allele CA261280.
Genomic context (GRCh38, chrX:154,413,525, plus strand): 5'-CATCTGTCCCTGCTTAGGACCCCTGCAGCTGCAGACATCTGCTTCACCAAGGAGCTACAC[T>C]CCCACTTCTTCAGCTTGGGCAAGTGTGTGCCTGTGTGCCGAGGTGAGCTGCTCCTCCAGC-3'
Protein context (NP_000107.1, residues 100-120): ADICFTKELH[Ser110Pro]HFFSLGKCVP

ClinVar aggregate classification (germline): Conflicting classifications of pathogenicity. Review status: criteria provided, conflicting classifications (1 of 4 stars). 2 submissions from 2 submitters: Likely pathogenic (1); Uncertain significance (1). Last evaluated 2020-06-25.

Conditions:
3-Methylglutaconic aciduria type 2 (BTHS). Also called: Barth syndrome; CARDIOSKELETAL MYOPATHY WITH NEUTROPENIA AND ABNORMAL MITOCHONDRIA. Identifiers: Orphanet 111, MedGen C0574083, MONDO:0010543, OMIM 302060.

Submissions (2):

Molecular Diagnostics Lab, Nemours Children's Health, Delaware
Classification: Uncertain significance for 3-Methylglutaconic aciduria type 2. Last evaluated: 2020-06-25. Review status: criteria provided, single submitter. Criteria: ACMG Guidelines, 2015. Collection method: clinical testing. Allele origin: unknown. Inheritance: X-linked inheritance. Affected: yes. Observed: 1 hemizygote.

Laboratory for Molecular Medicine, Mass General Brigham Personalized Medicine
Classification: Likely pathogenic for 3-Methylglutaconic aciduria type 2. Last evaluated: 2012-01-25. Review status: criteria provided, single submitter. Criteria: LMM Criteria. Collection method: clinical testing. Allele origin: germline. Observed: 1 variant allele.
Comment: The Ser110Pro variant is listed in the Human Tafazzin (TAZ) Gene Mutation & Vari ation Database as a de novo variant but no further information is available (www .). Yeast studies have shown that this variant impacts protein function (Claypool 2011). The presence of a TAZ variant is consistent with this individual?s clinical diagnosis. In summary, this variant is highly likely to be pathogenic but additional data is needed to confirm this.

Literature cited by the submitters: PubMed 21300850 (cited by Molecular Diagnostics Lab, Nemours Children's Health, Delaware and Laboratory for Molecular Medicine, Mass General Brigham Personalized Medicine).